The following is an entry in ClinVar:

NM_001134382.3(IQSEC1):c.1497G>A (p.Trp499Ter)

Gene: IQSEC1 (IQ motif and Sec7 domain ArfGEF 1; minus strand). Cytogenetic location: 3p25.2.
Variant type: single nucleotide variant.
Coding change: c.1497G>A on transcript NM_001134382.3 (MANE Select); coding-DNA position 1497, G replaced by A.
Protein change: p.Trp499Ter; replaces tryptophan 499 with a stop codon.
Molecular consequence: nonsense.
Genome position (GRCh38, 1-based): chr3:12,935,519, C>T on the plus strand (G>A on the coding strand, the complement: IQSEC1 is on the minus strand). VCF-style: chr3-12935519-C-T. GRCh37 (hg19) VCF-style: chr3-12977019-C-T.
Other names: c.1173G>A, p.Trp391Ter (NM_001330619.3); c.1821G>A, p.Trp607Ter (NM_001376938.2); c.1539G>A, p.Trp513Ter (NM_014869.8); short protein forms W513*, W391*, W607*, W499*.
Identifiers: ClinVar variation 4039398 (VCV004039398.1).
Genomic context (GRCh38, chr3:12,935,519, plus strand): 5'-GTTCAGGCCGATGCGGTAGTGCCTCTTGCGGATGACATCGTTGCTAAAGGCAGGCGAGTC[C>T]CAGCTGTTGCGGGCCTCCTTGTGGTAGGTCTGCTTGCTGAGCGTCTGCTCCCGCAGGCTG-3'

ClinVar aggregate classification (germline): Uncertain significance (1 of 4 stars; one submission).

Submission:

Ambry Genetics
Classification: Uncertain significance. Last evaluated: 2025-06-10. Review status: criteria provided, single submitter. Criteria: Ambry Variant Classification Scheme 2023. Collection method: clinical testing. Allele origin: germline.
Comment: The c.1497G>A (p.W499*) alteration, located in exon 3 (coding exon 3) of the IQSEC1 gene, consists of a G to A substitution at nucleotide position 1497. This changes the amino acid from a tryptophan (W) to a stop codon at amino acid position 499. This alteration is expected to result in premature protein truncation or nonsense-mediated mRNA decay. However, loss of function of IQSEC1 has not been established as a mechanism of disease. This variant was not reported in population-based cohorts in the Genome Aggregation Database (gnomAD). Based on insufficient or conflicting evidence, the clinical significance of this alteration remains unclear.